The following is an entry in ClinVar:

NM_001278.5(CHUK):c.896G>C (p.Arg299Thr)

Gene: CHUK (component of inhibitor of nuclear factor kappa B kinase complex; minus strand). Cytogenetic location: 10q24.31.
Variant type: single nucleotide variant.
Coding change: c.896G>C on transcript NM_001278.5 (MANE Select); coding-DNA position 896, G replaced by C.
Protein change: p.Arg299Thr; replaces arginine 299 with threonine.
Molecular consequence: missense variant.
Genome position (GRCh38, 1-based): chr10:100,218,032, C>G on the plus strand (G>C on the coding strand, the complement: CHUK is on the minus strand). VCF-style: chr10-100218032-C-G. GRCh37 (hg19) VCF-style: chr10-101977789-C-G.
Other names: c.896G>C, p.Arg299Thr (NM_001320928.2); short protein forms R299T.
Identifiers: ClinVar variation 1951743 (VCV001951743.5), dbSNP rs1013759189, ClinGen allele CA212900673.

ClinVar aggregate classification (germline): Uncertain significance (1 of 4 stars; one submission).

Allele frequency attached by ClinVar (database versions not stated): gnomAD 0.00001; TOPMed 0.00002.

Submission:

Labcorp Genetics (formerly Invitae), Labcorp
Classification: Uncertain significance. Last evaluated: 2022-04-28. Review status: criteria provided, single submitter. Criteria: Invitae Variant Classification Sherloc (09022015). Collection method: clinical testing. Allele origin: germline.
Comment: In summary, the available evidence is currently insufficient to determine the role of this variant in disease. Therefore, it has been classified as a Variant of Uncertain Significance. Algorithms developed to predict the effect of missense changes on protein structure and function are either unavailable or do not agree on the potential impact of this missense change (SIFT: "Not Available"; PolyPhen-2: "Benign"; Align-GVGD: "Not Available"). This variant has not been reported in the literature in individuals affected with CHUK-related conditions. This variant is present in population databases (no rsID available, gnomAD 0.01%). This sequence change replaces arginine, which is basic and polar, with threonine, which is neutral and polar, at codon 299 of the CHUK protein (p.Arg299Thr).